The following is an entry in ClinVar:

ClinVar aggregate classification (germline): Uncertain significance (1 of 4 stars; one submission).

Conditions:
TET3-related disorder. Also called: TET3-related condition; TET3-Related Disease.

Allele frequency attached by ClinVar (database versions not stated): ExAC 0.00001.
gnomAD v4.1: 8 of 1,611,728 alleles (0.0005%); highest among the groups gnomAD compares: South Asian, 0.0022%; no homozygotes.

Submission:

PreventionGenetics, part of Exact Sciences
Classification: Uncertain significance for TET3-related condition. Last evaluated: 2023-04-28. Review status: criteria provided, single submitter. Criteria: ACMG Guidelines, 2015. Collection method: clinical testing. Allele origin: germline.
Comment: The TET3 c.4063C>T variant is predicted to result in the amino acid substitution p.His1355Tyr. To our knowledge, this variant has not been reported in the literature. This variant is reported in 0.00090% of alleles in individuals of European (Non-Finnish) descent in gnomAD. At this time, the clinical significance of this variant is uncertain due to the absence of conclusive functional and genetic evidence.

NM_001287491.2(TET3):c.4063C>T (p.His1355Tyr)

Gene: TET3 (tet methylcytosine dioxygenase 3; plus strand). Cytogenetic location: 2p13.1.
Variant type: single nucleotide variant.
Coding change: c.4063C>T on transcript NM_001287491.2 (MANE Select); coding-DNA position 4063, C replaced by T.
Protein change: p.His1355Tyr; replaces histidine 1355 with tyrosine.
Molecular consequence: missense variant.
Genome position (GRCh38, 1-based): chr2:74,100,851, C>T. VCF-style: chr2-74100851-C-T. GRCh37 (hg19) VCF-style: chr2-74327978-C-T.
Other names: c.3784C>T, p.His1262Tyr (NM_001366022.1); c.3658C>T, p.His1220Tyr (NM_144993.1); short protein forms H1220Y, H1262Y, H1355Y.
Identifiers: ClinVar variation 2634444 (VCV002634444.1), dbSNP rs774747975, ClinGen allele CA1719143.